The following is an entry in ClinVar:

ClinVar aggregate classification (germline): Uncertain significance (1 of 4 stars; one submission).

Allele frequency attached by ClinVar (database versions not stated): TOPMed below 0.00001.

Submission:

Labcorp Genetics (formerly Invitae), Labcorp
Classification: Uncertain significance. Last evaluated: 2022-11-07. Review status: criteria provided, single submitter. Criteria: Invitae Variant Classification Sherloc (09022015). Collection method: clinical testing. Allele origin: germline.
Comment: This variant is not present in population databases (gnomAD no frequency). In summary, the available evidence is currently insufficient to determine the role of this variant in disease. Therefore, it has been classified as a Variant of Uncertain Significance. Algorithms developed to predict the effect of missense changes on protein structure and function output the following: SIFT: "Not Available"; PolyPhen-2: "Benign"; Align-GVGD: "Not Available". The glutamine amino acid residue is found in multiple mammalian species, which suggests that this missense change does not adversely affect protein function. ClinVar contains an entry for this variant (Variation ID: 1432702). This variant has not been reported in the literature in individuals affected with CEP250-related conditions. This sequence change replaces glutamic acid, which is acidic and polar, with glutamine, which is neutral and polar, at codon 2225 of the CEP250 protein (p.Glu2225Gln).

NM_007186.6(CEP250):c.6673G>C (p.Glu2225Gln)

Gene: CEP250 (centrosomal protein 250; plus strand). Cytogenetic location: 20q11.22.
Variant type: single nucleotide variant.
Coding change: c.6673G>C on transcript NM_007186.6 (MANE Select); coding-DNA position 6673, G replaced by C.
Protein change: p.Glu2225Gln; replaces glutamic acid 2225 with glutamine.
Molecular consequence: missense variant.
Genome position (GRCh38, 1-based): chr20:35,507,774, G>C. VCF-style: chr20-35507774-G-C. GRCh37 (hg19) VCF-style: chr20-34095603-G-C.
Other names: c.4777G>C, p.Glu1593Gln (NM_001318219.1); short protein forms E2225Q, E1593Q.
Identifiers: ClinVar variation 1432702 (VCV001432702.8), dbSNP rs955566479, ClinGen allele CA314164146.